The following is an entry in ClinVar:

NM_001429.4(EP300):c.2238C>A (p.Asn746Lys)

Gene: EP300 (EP300 lysine acetyltransferase; plus strand). Cytogenetic location: 22q13.2.
Variant type: single nucleotide variant.
Coding change: c.2238C>A on transcript NM_001429.4 (MANE Select); coding-DNA position 2238, C replaced by A.
Protein change: p.Asn746Lys; replaces asparagine 746 with lysine.
Molecular consequence: missense variant.
Genome position (GRCh38, 1-based): chr22:41,147,943, C>A. VCF-style: chr22-41147943-C-A. GRCh37 (hg19) VCF-style: chr22-41543947-C-A.
Other names: c.2160C>A, p.Asn720Lys (NM_001362843.2); short protein forms N720K, N746K.
Identifiers: ClinVar variation 3907897 (VCV003907897.1).

ClinVar aggregate classification (germline): Uncertain significance (1 of 4 stars; one submission).

Submission:

GeneDx
Classification: Uncertain significance. Last evaluated: 2024-12-31. Review status: criteria provided, single submitter. Criteria: GeneDx Variant Classification Process June 2021. Collection method: clinical testing. Allele origin: germline. Affected: yes.
Comment: Not observed at significant frequency in large population cohorts (gnomAD); In silico analysis indicates that this missense variant does not alter protein structure/function; Has not been previously published as pathogenic or benign to our knowledge